The following is an entry in ClinVar:

NM_000089.4(COL1A2):c.292C>A (p.Pro98Thr)

Gene: COL1A2 (collagen type I alpha 2 chain; plus strand). Cytogenetic location: 7q21.3.
Variant type: single nucleotide variant.
Coding change: c.292C>A on transcript NM_000089.4 (MANE Select); coding-DNA position 292, C replaced by A.
Protein change: p.Pro98Thr; replaces proline 98 with threonine.
Molecular consequence: missense variant.
Genome position (GRCh38, 1-based): chr7:94,404,568, C>A. VCF-style: chr7-94404568-C-A. GRCh37 (hg19) VCF-style: chr7-94033880-C-A.
Other names: short protein forms P98T.
Identifiers: ClinVar variation 1310061 (VCV001310061.2), dbSNP rs765868569, ClinGen allele CA368219445.

ClinVar aggregate classification (germline): Uncertain significance (1 of 4 stars; one submission).

gnomAD v4.1: 2 of 1,613,462 alleles (0.00012%); highest among the groups gnomAD compares: Non-Finnish European, 0.00017%; no homozygotes.

Submission:

GeneDx
Classification: Uncertain significance. Last evaluated: 2019-11-15. Review status: criteria provided, single submitter. Criteria: GeneDx Variant Classification Process June 2021. Collection method: clinical testing. Allele origin: germline. Affected: yes.
Comment: Not observed in large population cohorts (Lek et al., 2016); In silico analysis, which includes protein predictors and evolutionary conservation, supports a deleterious effect; Has not been previously published as pathogenic or benign to our knowledge